The following is an entry in ClinVar:

NC_000013.10:g.(?_100982805)_(101020838_?)dup

Gene: PCCA (propionyl-CoA carboxylase subunit alpha; plus strand). Cytogenetic location: 13q32.3.
Variant type: Duplication.
Identifiers: ClinVar variation 1508498 (VCV001508498.4).

ClinVar aggregate classification (germline): Likely pathogenic (1 of 4 stars; one submission).

Conditions:
Propionic acidemia (PROP). Also called: GLYCINEMIA, KETOTIC; HYPERGLYCINEMIA WITH KETOACIDOSIS AND LEUKOPENIA; KETOTIC HYPERGLYCINEMIA. Identifiers: Orphanet 35, MedGen C0268579, MONDO:0011628, OMIM 606054, HP:0003571.

Submission:

Labcorp Genetics (formerly Invitae), Labcorp
Classification: Likely pathogenic for Propionic acidemia. Last evaluated: 2021-05-13. Review status: criteria provided, single submitter. Criteria: Invitae Variant Classification Sherloc (09022015). Collection method: clinical testing. Allele origin: germline.
Comment: In summary, the currently available evidence indicates that the variant is pathogenic, but additional data are needed to prove that conclusively. Therefore, this variant has been classified as Likely Pathogenic. This variant has not been reported in the literature in individuals with PCCA-related conditions. This variant results in a copy number gain of the genomic region encompassing exon(s) 17-19 of the PCCA gene. While the exact position of this variant cannot be determined from the data, sub-genic copy number gains are generally in tandem (PMID: 25640679). This variant is predicted to be out-of-frame, and may result in an absent or disrupted protein product. Loss-of-function variants in PCCA are known to be pathogenic (PMID: 15464417).

Literature cited by the submitters: PubMed 25640679; PubMed 15464417.